The following is an entry in ClinVar:

ClinVar aggregate classification (germline): Likely benign. Review status: criteria provided, multiple submitters, no conflicts (2 of 4 stars). 2 submissions from 2 submitters: Likely benign (2). Last evaluated 2018-06-14.

Allele frequency attached by ClinVar (database versions not stated): TOPMed 0.00825; gnomAD 0.00915 and 0.00965; gnomAD exomes 0.01054; 1000 Genomes Project 0.01178; 1000 Genomes Project 30x 0.01187.
gnomAD v4.1: 16,932 of 1,612,518 alleles (1.1%); highest among the groups gnomAD compares: Middle Eastern, 2.4%; 117 homozygotes.

Submissions (2):

GeneDx
Classification: Likely benign. Last evaluated: 2018-06-14. Review status: criteria provided, single submitter. Criteria: GeneDx Variant Classification (06012015). Collection method: clinical testing. Allele origin: germline. Affected: yes.
Comment: This variant is considered likely benign or benign based on one or more of the following criteria: it is a conservative change, it occurs at a poorly conserved position in the protein, it is predicted to be benign by multiple in silico algorithms, and/or has population frequency not consistent with disease.

Breakthrough Genomics
Classification: Likely benign. Review status: criteria provided, single submitter. Criteria: ACMG Guidelines, 2015. Collection method: not provided. Allele origin: germline. Inheritance: Autosomal recessive inheritance. Affected: yes.

NM_080680.3(COL11A2):c.3636+74G>C

Gene: COL11A2 (collagen type XI alpha 2 chain; minus strand). Cytogenetic location: 6p21.32.
Variant type: single nucleotide variant.
Coding change: c.3636+74G>C on transcript NM_080680.3 (MANE Select); 74 bases into the intron after coding-DNA position 3636, G replaced by C.
Molecular consequence: intron variant.
Genome position (GRCh38, 1-based): chr6:33,169,973, C>G on the plus strand (G>C on the coding strand, the complement: COL11A2 is on the minus strand). VCF-style: chr6-33169973-C-G. GRCh37 (hg19) VCF-style: chr6-33137750-C-G.
Other names: c.3315+74G>C (NM_080679.3); c.3378+74G>C (NM_080681.3).
Identifiers: ClinVar variation 675204 (VCV000675204.2), dbSNP rs45596935, ClinGen allele CA137064525.